The following is an entry in ClinVar:

ClinVar aggregate classification (germline): Uncertain significance (1 of 4 stars; one submission).

Submission:

GeneDx
Classification: Uncertain significance. Last evaluated: 2024-09-05. Review status: criteria provided, single submitter. Criteria: GeneDx Variant Classification Process June 2021. Collection method: clinical testing. Allele origin: germline. Affected: yes.
Comment: Not observed at significant frequency in large population cohorts (gnomAD); In silico analysis supports that this missense variant has a deleterious effect on protein structure/function; In silico analysis supports a deleterious effect on splicing; Has not been previously published as pathogenic or benign to our knowledge

NM_001371623.1(TCOF1):c.1278G>T (p.Gln426His)

Gene: TCOF1 (treacle ribosome biogenesis factor 1; plus strand). Cytogenetic location: 5q32.
Variant type: single nucleotide variant.
Coding change: c.1278G>T on transcript NM_001371623.1 (MANE Select); coding-DNA position 1278, G replaced by T.
Protein change: p.Gln426His; replaces glutamine 426 with histidine.
Molecular consequence: missense variant.
Genome position (GRCh38, 1-based): chr5:150,374,811, G>T. VCF-style: chr5-150374811-G-T. GRCh37 (hg19) VCF-style: chr5-149754374-G-T.
Other names: c.1047G>T, p.Gln349His (NM_000356.4, NM_001135245.2); c.1278G>T, p.Gln426His (NM_001008657.3, NM_001135243.2, NM_001135244.2 and 1 more transcripts); short protein forms Q349H, Q426H.
Identifiers: ClinVar variation 3767696 (VCV003767696.1).
Genomic context (GRCh38, chr5:150,374,811, plus strand): 5'-GGAGGAGGACTCGCAGAGCAGCAGCGAGGAATCGGACAGTGAGGAGGAGGCGCCTGCTCA[G>T]GTGAGGCAGAGGGGAGGGGTGGAGAGTAGCCCCATGCCTAAACCCCAGCACCTGCATGGG-3'
Protein context (NP_001358552.1, residues 416-436): ESDSEEEAPA[Gln426His]AKPSGKAPQV